The following is an entry in ClinVar:

ClinVar aggregate classification (germline): Conflicting classifications of pathogenicity. Review status: criteria provided, conflicting classifications (1 of 4 stars). 4 submissions from 4 submitters: Uncertain significance (2); Likely benign (2). Last evaluated 2026-01-25.

Conditions:
Lethal osteosclerotic bone dysplasia (RNS). Also called: Osteomalacia, sclerosing, with cerebral calcification. Identifiers: Orphanet 1832, MedGen C1850106, MONDO:0009821, OMIM 259775.

Allele frequency attached by ClinVar (database versions not stated): gnomAD 0.00098 and 0.00107; ESP Exome Variant Server 0.00151; TOPMed 0.00151; 1000 Genomes Project 0.00180; 1000 Genomes Project 30x 0.00203.
gnomAD v4.1: 335 of 1,611,180 alleles (0.021%); highest among the groups gnomAD compares: African/African-American, 0.37%; no homozygotes.

Submissions (4):

Labcorp Genetics (formerly Invitae), Labcorp
Classification: Likely benign. Last evaluated: 2026-01-25. Review status: criteria provided, single submitter. Criteria: Invitae Variant Classification Sherloc (09022015). Collection method: clinical testing. Allele origin: germline.

GeneDx
Classification: Uncertain significance. Last evaluated: 2025-02-10. Review status: criteria provided, single submitter. Criteria: GeneDx Variant Classification Process June 2021. Collection method: clinical testing. Allele origin: germline. Affected: yes.
Comment: In silico analysis supports that this missense variant has a deleterious effect on protein structure/function; Has not been previously published as pathogenic or benign to our knowledge

Blueprint Genetics
Classification: Uncertain significance. Last evaluated: 2024-07-04. Review status: criteria provided, single submitter. Criteria: ACMG Guidelines, 2015. Collection method: clinical testing. Allele origin: germline.

Fulgent Genetics
Classification: Likely benign for Lethal osteosclerotic bone dysplasia. Last evaluated: 2022-05-31. Review status: criteria provided, single submitter. Criteria: ACMG Guidelines, 2015. Collection method: clinical testing. Allele origin: unknown.

NM_020223.4(FAM20C):c.731C>T (p.Pro244Leu)

Gene: FAM20C (FAM20C golgi associated secretory pathway kinase; plus strand). Cytogenetic location: 7p22.3.
Variant type: single nucleotide variant.
Coding change: c.731C>T on transcript NM_020223.4 (MANE Select); coding-DNA position 731, C replaced by T.
Protein change: p.Pro244Leu; replaces proline 244 with leucine.
Molecular consequence: missense variant.
Genome position (GRCh38, 1-based): chr7:195,679, C>T. VCF-style: chr7-195679-C-T. GRCh37 (hg19) VCF-style: chr7-195679-C-T.
Other names: short protein forms P244L.
Identifiers: ClinVar variation 720953 (VCV000720953.12), dbSNP rs116181849, ClinGen allele CA4108976.
Genomic context (GRCh38, chr7:195,679, plus strand): 5'-CCAACTGGCTCAAGTTCCACATTGGTATCAACCGGTACGAGCTGTACTCCAGACACAACC[C>T]GGCCATCGAGGCCCTGCTGCACGACCTCAGCTCCCAGAGGATCACCAGCGTGGGTAGGTG-3'
Protein context (NP_064608.2, residues 234-254): NRYELYSRHN[Pro244Leu]AIEALLHDLS